The following is an entry in ClinVar:

NM_000316.3(PTH1R):c.354G>C (p.Trp118Cys)

Genes: PTH1R (parathyroid hormone 1 receptor; plus strand), LOC129936652 (ATAC-STARR-seq lymphoblastoid silent region 14297; plus strand). Cytogenetic location: 3p21.31.
Variant type: single nucleotide variant.
Coding change: c.354G>C on transcript NM_000316.3 (MANE Select); coding-DNA position 354, G replaced by C.
Protein change: p.Trp118Cys; replaces tryptophan 118 with cysteine.
Molecular consequence: missense variant.
Genome position (GRCh38, 1-based): chr3:46,897,895, G>C. VCF-style: chr3-46897895-G-C. GRCh37 (hg19) VCF-style: chr3-46939385-G-C.
Other names: c.354G>C, p.Trp118Cys (NM_001184744.1); short protein forms W118C.
Identifiers: ClinVar variation 1985366 (VCV001985366.4), dbSNP rs201576425, ClinGen allele CA73768830.

ClinVar aggregate classification (germline): Uncertain significance (1 of 4 stars; one submission).

Allele frequency attached by ClinVar (database versions not stated): gnomAD exomes below 0.00001; TOPMed below 0.00001; gnomAD 0.00001.
gnomAD v4.1: 3 of 1,613,766 alleles (0.00019%); highest among the groups gnomAD compares: Non-Finnish European, 0.00025%; no homozygotes.

Submission:

Labcorp Genetics (formerly Invitae), Labcorp
Classification: Uncertain significance. Last evaluated: 2022-07-20. Review status: criteria provided, single submitter. Criteria: Invitae Variant Classification Sherloc (09022015). Collection method: clinical testing. Allele origin: germline.
Comment: This sequence change replaces tryptophan, which is neutral and slightly polar, with cysteine, which is neutral and slightly polar, at codon 118 of the PTH1R protein (p.Trp118Cys). In summary, the available evidence is currently insufficient to determine the role of this variant in disease. Therefore, it has been classified as a Variant of Uncertain Significance. Algorithms developed to predict the effect of missense changes on protein structure and function are either unavailable or do not agree on the potential impact of this missense change (SIFT: "Deleterious"; PolyPhen-2: "Probably Damaging"; Align-GVGD: "Class C0"). This missense change has been observed in individual(s) with autosomal dominant primary failure of tooth eruption (Invitae). This variant is present in population databases (rs201576425, gnomAD 0.002%).